The following is an entry in ClinVar:

NM_024529.5(CDC73):c.109A>G (p.Lys37Glu)

Gene: CDC73 (cell division cycle 73; plus strand). Cytogenetic location: 1q31.2.
Variant type: single nucleotide variant.
Coding change: c.109A>G on transcript NM_024529.5 (MANE Select); coding-DNA position 109, A replaced by G.
Protein change: p.Lys37Glu; replaces lysine 37 with glutamic acid.
Molecular consequence: missense variant.
Genome position (GRCh38, 1-based): chr1:193,122,309, A>G. VCF-style: chr1-193122309-A-G. GRCh37 (hg19) VCF-style: chr1-193091439-A-G.
Other names: short protein forms K37E.
Identifiers: ClinVar variation 1791672 (VCV001791672.2), dbSNP rs886039716, ClinGen allele CA343972969.

ClinVar aggregate classification (germline): Uncertain significance (1 of 4 stars; one submission).

Conditions:
Hereditary cancer-predisposing syndrome. Also called: Hereditary Cancer Syndrome; Hereditary neoplastic syndrome; Tumor predisposition; Neoplastic Syndromes, Hereditary. Identifiers: Orphanet 140162, MedGen C0027672, MeSH D009386, MONDO:0015356.

Submission:

Ambry Genetics
Classification: Uncertain significance for Hereditary cancer-predisposing syndrome. Last evaluated: 2021-10-27. Review status: criteria provided, single submitter. Criteria: Ambry Variant Classification Scheme 2023. Collection method: clinical testing. Allele origin: germline.
Comment: The p.K37E variant (also known as c.109A>G), located in coding exon 1 of the CDC73 gene, results from an A to G substitution at nucleotide position 109. The lysine at codon 37 is replaced by glutamic acid, an amino acid with similar properties. This amino acid position is highly conserved in available vertebrate species. In addition, this alteration is predicted to be deleterious by in silico analysis. Since supporting evidence is limited at this time, the clinical significance of this alteration remains unclear.